The following is an entry in ClinVar:

NM_014140.4(SMARCAL1):c.1975C>T (p.Arg659Cys)

Gene: SMARCAL1 (SNF2 related chromatin remodeling annealing helicase 1; plus strand). Cytogenetic location: 2q35.
Variant type: single nucleotide variant.
Coding change: c.1975C>T on transcript NM_014140.4 (MANE Select); coding-DNA position 1975, C replaced by T.
Protein change: p.Arg659Cys; replaces arginine 659 with cysteine.
Molecular consequence: missense variant.
Genome position (GRCh38, 1-based): chr2:216,450,969, C>T. VCF-style: chr2-216450969-C-T. GRCh37 (hg19) VCF-style: chr2-217315692-C-T.
Other names: c.1975C>T, p.Arg659Cys (NM_001127207.2); short protein forms R659C.
Identifiers: ClinVar variation 988238 (VCV000988238.11), dbSNP rs148893764, ClinGen allele CA2098061.
Genomic context (GRCh38, chr2:216,450,969, plus strand): 5'-GAAGCAGTCATGCTGCGGCGCCTCAAGTCCGACGTCCTTTCCCAGCTGCCTGCCAAGCAG[C>T]GCAAGATAGTGGTGATTGCCCCAGGACGGATCAATGCCAGGACCAGAGCTGCCCTGGATG-3'
Protein context (NP_054859.2, residues 649-669): DVLSQLPAKQ[Arg659Cys]KIVVIAPGRI

ClinVar aggregate classification (germline): Uncertain significance. Review status: criteria provided, single submitter (1 of 4 stars). 3 submissions from 3 submitters: Uncertain significance (1). 2 of the submissions do not count toward it. Last evaluated 2022-10-24.

Conditions:
Atypical hemolytic-uremic syndrome. Identifiers: Orphanet 2134, MedGen C2931788, MONDO:0016244.
Schimke immuno-osseous dysplasia (SIOD). Also called: Schimke Immunoosseous Dysplasia. Identifiers: Orphanet 1830, MedGen C0877024, MONDO:0009458, OMIM 242900.

Allele frequency attached by ClinVar (database versions not stated): ExAC 0.00001; gnomAD exomes 0.00001; TOPMed 0.00002; ESP Exome Variant Server 0.00008.
gnomAD v4.1: 19 of 1,614,190 alleles (0.0012%); highest among the groups gnomAD compares: East Asian, 0.0045%; no homozygotes.

Submissions (3):

Labcorp Genetics (formerly Invitae), Labcorp
Classification: Uncertain significance for Schimke immuno-osseous dysplasia. Last evaluated: 2022-10-24. Review status: criteria provided, single submitter. Criteria: Invitae Variant Classification Sherloc (09022015). Collection method: clinical testing. Allele origin: germline.
Comment: This sequence change replaces arginine, which is basic and polar, with cysteine, which is neutral and slightly polar, at codon 659 of the SMARCAL1 protein (p.Arg659Cys). This variant is not present in population databases (gnomAD no frequency). This missense change has been observed in individual(s) with focal segmental glomerulosclerosis (PMID: 28844315). ClinVar contains an entry for this variant (Variation ID: 988238). Advanced modeling of protein sequence and biophysical properties (such as structural, functional, and spatial information, amino acid conservation, physicochemical variation, residue mobility, and thermodynamic stability) performed at Invitae indicates that this missense variant is expected to disrupt SMARCAL1 protein function. In summary, the available evidence is currently insufficient to determine the role of this variant in disease. Therefore, it has been classified as a Variant of Uncertain Significance.

Natera, Inc.
Classification: Uncertain significance for Schimke immuno-osseous dysplasia. Last evaluated: 2020-03-27. Review status: no assertion criteria provided. Collection method: clinical testing. Allele origin: germline. Not counted in ClinVar's aggregate classification.

Sydney Genome Diagnostics, Children's Hospital Westmead
Classification: Uncertain significance for Atypical hemolytic-uremic syndrome. Last evaluated: 2018-10-24. Review status: no assertion criteria provided. Collection method: clinical testing. Allele origin: unknown. Affected: yes. Observed: 1 variant allele, 1 heterozygote. Not counted in ClinVar's aggregate classification.
Comment: To our knowledge, this variant has not been previously reported in the literature to be disease causing. This variant (dbSNP: rs148893764) has been reported in the ExAC database with a very low allele frequency (1 out of 121206 alleles). In silico analysis (Alamut Visual v2.6) using PolyPhen2, SIFT, Align GVGD and Mutation Taster all suggest that this variant to be likely pathogenic.

Literature cited by the submitters: PubMed 28844315 (cited by Labcorp Genetics (formerly Invitae), Labcorp).